The following is an entry in ClinVar:

NM_014263.4(YME1L1):c.884A>G (p.Gln295Arg)

Gene: YME1L1 (YME1 like 1 ATPase; minus strand). Cytogenetic location: 10p12.1.
Variant type: single nucleotide variant.
Coding change: c.884A>G on transcript NM_014263.4 (MANE Select); coding-DNA position 884, A replaced by G.
Protein change: p.Gln295Arg; replaces glutamine 295 with arginine.
Molecular consequence: missense variant.
Genome position (GRCh38, 1-based): chr10:27,126,761, T>C on the plus strand (A>G on the coding strand, the complement: YME1L1 is on the minus strand). VCF-style: chr10-27126761-T-C. GRCh37 (hg19) VCF-style: chr10-27415690-T-C.
Other names: c.785A>G, p.Gln262Arg (NM_001253866.2); c.1055A>G, p.Gln352Arg (NM_139312.3); short protein forms Q295R, Q262R, Q352R.
Identifiers: ClinVar variation 3654718 (VCV003654718.2).
Genomic context (GRCh38, chr10:27,126,761, plus strand): 5'-GGAAGTTTACCTCCAAGAATAGTAAATTTTTGTGGATTTTTCAAGAATTCAACAACTTCC[T>C]GTAATTCTTGTTTAGCTTCCTCCACCTAAAGTGACACAATTTTCCAAATAACTTTAGATA-3'
Protein context (NP_055078.1, residues 285-305): KGVEEAKQEL[Gln295Arg]EVVEFLKNPQ

ClinVar aggregate classification (germline): Uncertain significance (1 of 4 stars; one submission).

gnomAD v4.1: 3 of 1,589,812 alleles (0.00019%); highest among the groups gnomAD compares: African/African-American, 0.0041%; no homozygotes.

Submission:

Labcorp Genetics (formerly Invitae), Labcorp
Classification: Uncertain significance. Last evaluated: 2024-05-26. Review status: criteria provided, single submitter. Criteria: Invitae Variant Classification Sherloc (09022015). Collection method: clinical testing. Allele origin: germline.
Comment: This sequence change replaces glutamine, which is neutral and polar, with arginine, which is basic and polar, at codon 352 of the YME1L1 protein (p.Gln352Arg). This variant is present in population databases (no rsID available, gnomAD 0.009%). This variant has not been reported in the literature in individuals affected with YME1L1-related conditions. An algorithm developed to predict the effect of missense changes on protein structure and function (PolyPhen-2) suggests that this variant is likely to be tolerated. In summary, the available evidence is currently insufficient to determine the role of this variant in disease. Therefore, it has been classified as a Variant of Uncertain Significance.